The following is an entry in ClinVar:

ClinVar aggregate classification (germline): Benign/Likely benign. Review status: criteria provided, multiple submitters, no conflicts (2 of 4 stars). 14 submissions from 8 submitters: Benign (9); Likely benign (5). Last evaluated 2026-04-06.

Conditions:
Age related macular degeneration 4. Identifiers: MedGen C1853147, MONDO:0012540, OMIM 610698.
Atypical hemolytic-uremic syndrome. Identifiers: Orphanet 2134, MedGen C2931788, MONDO:0016244.
Factor H deficiency (CFHD). Also called: CFH DEFICIENCY; COMPLEMENT FACTOR H DEFICIENCY. Identifiers: Orphanet 200421, MedGen C0398777, MONDO:0012350, OMIM 609814.
Basal laminar drusen. Also called: DRUSEN OF BRUCH MEMBRANE; DRUSEN, CUTICULAR; DRUSEN, EARLY ADULT-ONSET, GROUPED. Identifiers: Orphanet 75376, MedGen C0730295, MONDO:0007472, OMIM 126700.
Hemolytic uremic syndrome, atypical, susceptibility to, 1. Also called: AHUS, SUSCEPTIBILITY TO, 1. Identifiers: Orphanet 2134, Orphanet 90038, MedGen C2749604, MONDO:0009335, OMIM 235400. Disease mechanism: Other.
CFH-Related Dense Deposit Disease / Membranoproliferative Glomerulonephritis Type II. Identifiers: MedGen CN071292.

Allele frequency attached by ClinVar (database versions not stated): gnomAD 0.00105; TOPMed 0.00131; 1000 Genomes Project 30x 0.00312; 1000 Genomes Project 0.00339.
gnomAD v4.1: 872 of 1,612,986 alleles (0.054%); highest among the groups gnomAD compares: East Asian, 1.7%; 9 homozygotes.

Submissions (14):

Women's Health and Genetics/Laboratory Corporation of America, LabCorp
Classification: Likely benign. Last evaluated: 2026-04-06. Review status: criteria provided, single submitter. Criteria: LabCorp Variant Classification Summary - May 2015. Collection method: clinical testing. Allele origin: germline.

Labcorp Genetics (formerly Invitae), Labcorp
Classification: Benign. Last evaluated: 2026-01-11. Review status: criteria provided, single submitter. Criteria: Invitae Variant Classification Sherloc (09022015). Collection method: clinical testing. Allele origin: germline.

Mayo Clinic Laboratories, Mayo Clinic
Classification: Likely benign. Last evaluated: 2025-11-24. Review status: criteria provided, single submitter. Criteria: ACMG Guidelines, 2015. Collection method: clinical testing. Allele origin: germline. Observed: 5 variant alleles.
Comment: BS1, BP4, BP7

Genomenon, Inc
Classification: Benign for Basal laminar drusen; Age related macular degeneration 4; Atypical hemolytic-uremic syndrome; Factor H deficiency. Last evaluated: 2025-10-02. Review status: criteria provided, single submitter. Criteria: Genomenon Sequence Variant Interpretation Standards - Updated. Collection method: curation. Allele origin: germline. Affected: no.
Comment: CFH p.Thr645= (c.1935G>T) is a synonymous variant that retains Threonine at residue 645. This variant is present at high allele frequency in population databases. In conclusion, we classify CFH p.Thr645= (c.1935G>T) as a benign variant.

Genome-Nilou Lab
Classification: Benign for Hemolytic uremic syndrome, atypical, susceptibility to, 1. Last evaluated: 2023-04-11. Review status: criteria provided, single submitter. Criteria: ACMG Guidelines, 2015. Collection method: clinical testing. Allele origin: germline. Affected: no.

Genome-Nilou Lab
Classification: Benign for Age related macular degeneration 4. Last evaluated: 2023-04-11. Review status: criteria provided, single submitter. Criteria: ACMG Guidelines, 2015. Collection method: clinical testing. Allele origin: germline. Affected: no.

Genome-Nilou Lab
Classification: Benign for Basal laminar drusen. Last evaluated: 2023-04-11. Review status: criteria provided, single submitter. Criteria: ACMG Guidelines, 2015. Collection method: clinical testing. Allele origin: germline. Affected: no.

Genome-Nilou Lab
Classification: Benign for Factor H deficiency. Last evaluated: 2023-04-11. Review status: criteria provided, single submitter. Criteria: ACMG Guidelines, 2015. Collection method: clinical testing. Allele origin: germline. Affected: no.

Fulgent Genetics
Classification: Likely benign for Basal laminar drusen; Hemolytic uremic syndrome, atypical, susceptibility to, 1; Factor H deficiency; Age related macular degeneration 4. Last evaluated: 2021-10-11. Review status: criteria provided, single submitter. Criteria: ACMG Guidelines, 2015. Collection method: clinical testing. Allele origin: unknown.

Illumina Laboratory Services, Illumina
Classification: Benign for Age related macular degeneration 4. Last evaluated: 2018-01-13. Review status: criteria provided, single submitter. Criteria: ICSL Variant Classification Criteria 13 December 2019. Collection method: clinical testing. Allele origin: germline.
Comment: This variant was observed in the ICSL laboratory as part of a predisposition screen in an ostensibly healthy population. It had not been previously curated by ICSL or reported in the Human Gene Mutation Database (HGMD: prior to June 1st, 2018), and was therefore a candidate for classification through an automated scoring system. Utilizing variant allele frequency, disease prevalence and penetrance estimates, and inheritance mode, an automated score was calculated to assess if this variant is too frequent to cause the disease. Based on the score and internal cut-off values, a variant classified as benign is not then subjected to further curation. The score for this variant resulted in a classification of benign for this disease.

Illumina Laboratory Services, Illumina
Classification: Benign for Hemolytic uremic syndrome, atypical, susceptibility to, 1. Last evaluated: 2018-01-13. Review status: criteria provided, single submitter. Criteria: ICSL Variant Classification Criteria 13 December 2019. Collection method: clinical testing. Allele origin: germline.
Comment: the same text as in the submission from Illumina Laboratory Services, Illumina above.

Illumina Laboratory Services, Illumina
Classification: Likely benign for Basal laminar drusen. Last evaluated: 2018-01-13. Review status: criteria provided, single submitter. Criteria: ICSL Variant Classification Criteria 13 December 2019. Collection method: clinical testing. Allele origin: germline.
Comment: This variant was observed in the ICSL laboratory as part of a predisposition screen in an ostensibly healthy population. It had not been previously curated by ICSL or reported in the Human Gene Mutation Database (HGMD: prior to June 1st, 2018), and was therefore a candidate for classification through an automated scoring system. Utilizing variant allele frequency, disease prevalence and penetrance estimates, and inheritance mode, an automated score was calculated to assess if this variant is too frequent to cause the disease. Based on the score and internal cut-off values, a variant classified as likely benign is not then subjected to further curation. The score for this variant resulted in a classification of likely benign for this disease.

Illumina Laboratory Services, Illumina
Classification: Benign for Membranoproliferative glomerulonephritis with complement factor h deficiency. Last evaluated: 2018-01-13. Review status: criteria provided, single submitter. Criteria: ICSL Variant Classification Criteria 13 December 2019. Collection method: clinical testing. Allele origin: germline.
Comment: the same text as in the submission from Illumina Laboratory Services, Illumina above.

Breakthrough Genomics
Classification: Likely benign. Review status: criteria provided, single submitter. Criteria: ACMG Guidelines, 2015. Collection method: not provided. Allele origin: germline. Inheritance: Autosomal recessive inheritance. Affected: yes.

NM_000186.4(CFH):c.1935G>T (p.Thr645=)

Gene: CFH (complement factor H; plus strand). Cytogenetic location: 1q31.3.
Variant type: single nucleotide variant.
Coding change: c.1935G>T on transcript NM_000186.4 (MANE Select); coding-DNA position 1935, G replaced by T.
Protein change: p.Thr645=; no amino-acid change (threonine 645 retained).
Molecular consequence: synonymous variant.
Genome position (GRCh38, 1-based): chr1:196,726,531, G>T. VCF-style: chr1-196726531-G-T. GRCh37 (hg19) VCF-style: chr1-196695661-G-T.
Other names: p.Thr645=.
Identifiers: ClinVar variation 294496 (VCV000294496.18), dbSNP rs56035657, ClinGen allele CA1305532.